The following is an entry in ClinVar:

NM_000088.4(COL1A1):c.4174G>A (p.Gly1392Ser)

Gene: COL1A1 (collagen type I alpha 1 chain; minus strand). Cytogenetic location: 17q21.33.
Variant type: single nucleotide variant.
Coding change: c.4174G>A on transcript NM_000088.4 (MANE Select); coding-DNA position 4174, G replaced by A.
Protein change: p.Gly1392Ser; replaces glycine 1392 with serine.
Molecular consequence: missense variant.
Genome position (GRCh38, 1-based): chr17:50,185,852, C>T on the plus strand (G>A on the coding strand, the complement: COL1A1 is on the minus strand). VCF-style: chr17-50185852-C-T. GRCh37 (hg19) VCF-style: chr17-48263213-C-T.
Other names: c.4174G>A (NM_000088.3); short protein forms G1392S.
Identifiers: ClinVar variation 1505019 (VCV001505019.8), dbSNP rs377379528, ClinGen allele CA291542793.

ClinVar aggregate classification (germline): Conflicting classifications of pathogenicity. Review status: criteria provided, conflicting classifications (1 of 4 stars). 3 submissions from 3 submitters: Uncertain significance (2); Likely benign (1). Last evaluated 2026-06-01.

Conditions:
Cardiovascular phenotype. Identifiers: MedGen CN230736.
Osteogenesis imperfecta type I (OI1). Also called: OI, TYPE I; OSTEOGENESIS IMPERFECTA TARDA; OSTEOGENESIS IMPERFECTA WITH BLUE SCLERAE; Osteogenesis imperfecta type 1; Lobstein's Disease; Lobstein disease. Identifiers: Orphanet 216796, Orphanet 666, MedGen C0023931, MONDO:0008146, OMIM 166200. Disease mechanism: loss of function.

Allele frequency attached by ClinVar (database versions not stated): TOPMed 0.00002; gnomAD 0.00001; gnomAD exomes 0.00001; ESP Exome Variant Server 0.00008.
gnomAD v4.1: 14 of 1,614,012 alleles (0.00087%); highest among the groups gnomAD compares: South Asian, 0.0088%; no homozygotes.

Submissions (3):

Ambry Genetics
Classification: Likely benign for Cardiovascular phenotype. Last evaluated: 2026-06-01. Review status: criteria provided, single submitter. Criteria: Ambry Variant Classification Scheme 2023. Collection method: clinical testing. Allele origin: germline.

Women's Health and Genetics/Laboratory Corporation of America, LabCorp
Classification: Uncertain significance. Last evaluated: 2025-03-19. Review status: criteria provided, single submitter. Criteria: LabCorp Variant Classification Summary - May 2015. Collection method: clinical testing. Allele origin: germline.
Comment: Variant summary: COL1A1 c.4174G>A (p.Gly1392Ser) results in a non-conservative amino acid change in the encoded protein sequence. Four of five in-silico tools predict a damaging effect of the variant on protein function. The variant allele was found at a frequency of 1.2e-05 in 251218 control chromosomes. The available data on variant occurrences in the general population are insufficient to allow any conclusion about variant significance. To our knowledge, no occurrence of c.4174G>A in individuals affected with Osteogenesis imperfecta type I and no experimental evidence demonstrating its impact on protein function have been reported. ClinVar contains an entry for this variant (Variation ID: 1505019). Based on the evidence outlined above, the variant was classified as uncertain significance.

Labcorp Genetics (formerly Invitae), Labcorp
Classification: Uncertain significance for Osteogenesis imperfecta type I. Last evaluated: 2023-07-10. Review status: criteria provided, single submitter. Criteria: Invitae Variant Classification Sherloc (09022015). Collection method: clinical testing. Allele origin: germline.
Comment: In summary, the available evidence is currently insufficient to determine the role of this variant in disease. Therefore, it has been classified as a Variant of Uncertain Significance. Advanced modeling of protein sequence and biophysical properties (such as structural, functional, and spatial information, amino acid conservation, physicochemical variation, residue mobility, and thermodynamic stability) has been performed at Invitae for this missense variant, however the output from this modeling did not meet the statistical confidence thresholds required to predict the impact of this variant on COL1A1 protein function. ClinVar contains an entry for this variant (Variation ID: 1505019). This missense change has been observed in individual(s) with clinical features of osteogenesis imperfecta (Invitae). This variant is present in population databases (rs377379528, gnomAD 0.01%). This sequence change replaces glycine, which is neutral and non-polar, with serine, which is neutral and polar, at codon 1392 of the COL1A1 protein (p.Gly1392Ser).